The following is an entry in ClinVar:

ClinVar aggregate classification (germline): Likely pathogenic (1 of 4 stars; one submission).

Conditions:
Immunodeficiency 23 (IMD23). Also called: IMMUNODEFICIENCY WITH HYPER IgE AND COGNITIVE IMPAIRMENT; IMMUNODEFICIENCY-VASCULITIS-MYOCLONUS SYNDROME. Identifiers: Orphanet 443811, MedGen C4014371, MONDO:0014353, OMIM 615816.

Submission:

Labcorp Genetics (formerly Invitae), Labcorp
Classification: Likely pathogenic for Immunodeficiency 23. Last evaluated: 2024-04-07. Review status: criteria provided, single submitter. Criteria: Invitae Variant Classification Sherloc (09022015). Collection method: clinical testing. Allele origin: germline.
Comment: This variant results in the deletion of part of exon 5 (c.474-232_501del) of the PGM3 gene. It is expected to disrupt RNA splicing. Variants that disrupt the donor or acceptor splice site typically lead to a loss of protein function (PMID: 16199547), and loss-of-function variants in PGM3 are known to be pathogenic (PMID: 17548465, 24589341, 24931394). This variant is not present in population databases (gnomAD no frequency). This variant has not been reported in the literature in individuals affected with PGM3-related conditions. In summary, the currently available evidence indicates that the variant is pathogenic, but additional data are needed to prove that conclusively. Therefore, this variant has been classified as Likely Pathogenic.

Literature cited by the submitters: PubMed 16199547; PubMed 17548465; PubMed 24589341; PubMed 24931394.

NM_015599.3(PGM3):c.390-232_417del

Gene: PGM3 (phosphoglucomutase 3; minus strand). Cytogenetic location: 6q14.1.
Variant type: Deletion.
Coding change: c.390-232_417del on transcript NM_015599.3 (MANE Select); 232 bases into the intron before coding-DNA position 390 through coding-DNA position 417, 260 bases deleted.
Molecular consequence: splice acceptor variant.
Genome position (GRCh38, 1-based): chr6:83,187,048-83,187,307, 260 bases deleted. GRCh37 (hg19): chr6:83,896,771-83,897,030.
Other names: c.390-232_417del (NM_001199919.2, NM_001367286.1); c.474-232_501del (NM_001199917.2, NM_001367287.1); c.147-232_174del (NM_001199918.2).
Identifiers: ClinVar variation 3649118 (VCV003649118.2).